The following is an entry in ClinVar:

ClinVar aggregate classification (germline): Benign. Review status: criteria provided, multiple submitters, no conflicts (2 of 4 stars). 3 submissions from 3 submitters: Benign (3). Last evaluated 2018-10-16.

Conditions:
ALG12-congenital disorder of glycosylation (CDG1G). Also called: CDG Ig; Congenital disorder of glycosylation, type Ig; ALG12-CDG. Identifiers: Orphanet 79324, MedGen C2931001, MONDO:0011783, OMIM 607143.

Allele frequency attached by ClinVar (database versions not stated): gnomAD exomes 0.22766 and 0.25423; ExAC 0.27490; TOPMed 0.37010; ESP Exome Variant Server 0.38093; 1000 Genomes Project 0.40216; 1000 Genomes Project 30x 0.40974.
gnomAD v4.1: 380,942 of 1,578,790 alleles (24%); highest among the groups gnomAD compares: African/African-American, 74%; 58,813 homozygotes.

Submissions (3):

GeneDx
Classification: Benign. Last evaluated: 2018-10-16. Review status: criteria provided, single submitter. Criteria: GeneDx Variant Classification Process June 2021. Collection method: clinical testing. Allele origin: germline. Affected: yes.

Illumina Laboratory Services, Illumina
Classification: Benign for ALG12-congenital disorder of glycosylation. Last evaluated: 2018-01-13. Review status: criteria provided, single submitter. Criteria: ICSL Variant Classification Criteria 13 December 2019. Collection method: clinical testing. Allele origin: germline.
Comment: This variant was observed in the ICSL laboratory as part of a predisposition screen in an ostensibly healthy population. It had not been previously curated by ICSL or reported in the Human Gene Mutation Database (HGMD: prior to June 1st, 2018), and was therefore a candidate for classification through an automated scoring system. Utilizing variant allele frequency, disease prevalence and penetrance estimates, and inheritance mode, an automated score was calculated to assess if this variant is too frequent to cause the disease. Based on the score and internal cut-off values, a variant classified as benign is not then subjected to further curation. The score for this variant resulted in a classification of benign for this disease.

Breakthrough Genomics
Classification: Benign. Review status: criteria provided, single submitter. Criteria: ACMG Guidelines, 2015. Collection method: not provided. Allele origin: germline. Inheritance: Autosomal recessive inheritance. Affected: yes.

NM_024105.4(ALG12):c.*51A>G

Gene: ALG12 (ALG12 alpha-1,6-mannosyltransferase; minus strand). Cytogenetic location: 22q13.33.
Variant type: single nucleotide variant.
Coding change: c.*51A>G on transcript NM_024105.4 (MANE Select); 51 bases downstream of the stop codon, A replaced by G.
Molecular consequence: 3 prime UTR variant.
Genome position (GRCh38, 1-based): chr22:49,903,787, T>C on the plus strand (A>G on the coding strand, the complement: ALG12 is on the minus strand). VCF-style: chr22-49903787-T-C. GRCh37 (hg19) VCF-style: chr22-50297435-T-C.
Identifiers: ClinVar variation 342038 (VCV000342038.8), dbSNP rs1321, ClinGen allele CA10300199.